The following is an entry in ClinVar:

ClinVar aggregate classification (germline): Pathogenic (1 of 4 stars; one submission).

Submission:

Quest Diagnostics Nichols Institute San Juan Capistrano
Classification: Pathogenic. Last evaluated: 2022-07-29. Review status: criteria provided, single submitter. Criteria: ACMG/ClinGen CNV Guidelines, 2019. Collection method: clinical testing. Allele origin: unknown.
Comment: The copy number gain of 8q24.3 involves numerous protein-coding genes. Heterozygous duplications similar to and within the current interval have been identified in individuals with profoundly delayed psychomotor development, impaired growth, idiopathic epilepsy, and cognitive impairment, as well as disorders of sex development (Bonaglia 2005, Shrimpton 2006, Dilek 2016). Therefore, based on current medical literature and gene content, this copy number variant (CNV) is interpreted as pathogenic. References: Bonaglia et al., Eur J Hum Genet. 2005 May;13(5):586-91. PMID: 15657611 Dilek et al., Genet Couns. 2016;27(3):385-392. PMID: 30204968 Shrimpton et al., Am J Med Genet A. 2006 Feb 15;140(4):388-91. PMID: 16411192

GRCh37/hg19 8q24.3(chr8:141419599-146295771)x3

Genes: TMEM249 (transmembrane protein 249; minus strand), TONSL (tonsoku like, DNA repair protein; minus strand), TOP1MT (DNA topoisomerase I mitochondrial; minus strand), ZNF251 (zinc finger protein 251; minus strand), ZNF34 (zinc finger protein 34; minus strand) and 92 more. Cytogenetic location: 8q24.3.
Variant type: copy number gain.
Change: copy number 3 (three copies instead of two) of chr8:141,419,599-146,295,771 (4.88 Mb, GRCh37 coordinates, 1-based), cytogenetic band 8q24.3.
Identifiers: ClinVar variation 2684556 (VCV002684556.1).